The following is an entry in ClinVar:

NM_015488.5(PNKD):c.257C>T (p.Thr86Ile)

Genes: CATIP-AS2 (CATIP antisense RNA 2; minus strand), PNKD (PNKD metallo-beta-lactamase domain containing; plus strand). Cytogenetic location: 2q35.
Variant type: single nucleotide variant.
Coding change: c.257C>T on transcript NM_015488.5 (MANE Select); coding-DNA position 257, C replaced by T.
Protein change: p.Thr86Ile; replaces threonine 86 with isoleucine.
Molecular consequence: missense variant.
Genome position (GRCh38, 1-based): chr2:218,339,803, C>T. VCF-style: chr2-218339803-C-T. GRCh37 (hg19) VCF-style: chr2-219204526-C-T.
Other names: c.185C>T, p.Thr62Ile (NM_022572.5); short protein forms T86I, T62I.
Identifiers: ClinVar variation 2998876 (VCV002998876.3), dbSNP rs1441060629, ClinGen allele CA350538114.

ClinVar aggregate classification (germline): Uncertain significance (1 of 4 stars; one submission).

Conditions:
Paroxysmal nonkinesigenic dyskinesia. Also called: Paroxysmal non-kinesigenic dyskinesia. Identifiers: Orphanet 98810, MedGen C1869117, MONDO:0700088.

Allele frequency attached by ClinVar (database versions not stated): gnomAD 0.00001; TOPMed 0.00001.
gnomAD v4.1: 3 of 1,613,508 alleles (0.00019%); highest among the groups gnomAD compares: African/African-American, 0.0027%; no homozygotes.

Submission:

Labcorp Genetics (formerly Invitae), Labcorp
Classification: Uncertain significance for Paroxysmal nonkinesigenic dyskinesia. Last evaluated: 2023-05-22. Review status: criteria provided, single submitter. Criteria: Invitae Variant Classification Sherloc (09022015). Collection method: clinical testing. Allele origin: germline.
Comment: In summary, the available evidence is currently insufficient to determine the role of this variant in disease. Therefore, it has been classified as a Variant of Uncertain Significance. This variant is not present in population databases (gnomAD no frequency). This variant has not been reported in the literature in individuals affected with PNKD-related conditions. An algorithm developed to predict the effect of missense changes on protein structure and function (PolyPhen-2) suggests that this variant is likely to be disruptive. This sequence change replaces threonine, which is neutral and polar, with isoleucine, which is neutral and non-polar, at codon 86 of the PNKD protein (p.Thr86Ile).